The following is an entry in ClinVar:

NM_006389.5(HYOU1):c.1206-13G>T

Genes: HYOU1 (hypoxia up-regulated 1; minus strand), LOC130006884 (ATAC-STARR-seq lymphoblastoid active region 5617; plus strand). Cytogenetic location: 11q23.3.
Variant type: single nucleotide variant.
Coding change: c.1206-13G>T on transcript NM_006389.5 (MANE Select); 13 bases into the intron before coding-DNA position 1206, G replaced by T.
Molecular consequence: intron variant.
Genome position (GRCh38, 1-based): chr11:119,051,964, C>A on the plus strand (G>T on the coding strand, the complement: HYOU1 is on the minus strand). VCF-style: chr11-119051964-C-A. GRCh37 (hg19) VCF-style: chr11-118922676-C-A.
Other names: c.1206-13G>T (NM_001130991.3).
Identifiers: ClinVar variation 1913044 (VCV001913044.5), dbSNP rs369476310, ClinGen allele CA229622609.

ClinVar aggregate classification (germline): Uncertain significance (1 of 4 stars; one submission).

Allele frequency attached by ClinVar (database versions not stated): gnomAD exomes 0.00001; gnomAD 0.00011; TOPMed 0.00013.
gnomAD v4.1: 32 of 1,614,000 alleles (0.002%); highest among the groups gnomAD compares: African/African-American, 0.043%; no homozygotes.

Submission:

Labcorp Genetics (formerly Invitae), Labcorp
Classification: Uncertain significance. Last evaluated: 2023-04-15. Review status: criteria provided, single submitter. Criteria: Invitae Variant Classification Sherloc (09022015). Collection method: clinical testing. Allele origin: germline.
Comment: In summary, the available evidence is currently insufficient to determine the role of this variant in disease. Therefore, it has been classified as a Variant of Uncertain Significance. Experimental studies and prediction algorithms are not available or were not evaluated, and the effect of this variant on mRNA splicing is currently unknown. ClinVar contains an entry for this variant (Variation ID: 1913044). This variant has not been reported in the literature in individuals affected with HYOU1-related conditions. This variant is present in population databases (rs369476310, gnomAD 0.05%). This sequence change falls in intron 11 of the HYOU1 gene. It does not directly change the encoded amino acid sequence of the HYOU1 protein.